The following is an entry in ClinVar:

NM_001365951.3(KIF1B):c.3271A>G (p.Ser1091Gly)

Gene: KIF1B (kinesin family member 1B; plus strand). Cytogenetic location: 1p36.22.
Variant type: single nucleotide variant.
Coding change: c.3271A>G on transcript NM_001365951.3 (MANE Select); coding-DNA position 3271, A replaced by G.
Protein change: p.Ser1091Gly; replaces serine 1091 with glycine.
Molecular consequence: missense variant.
Genome position (GRCh38, 1-based): chr1:10,337,382, A>G. VCF-style: chr1-10337382-A-G. GRCh37 (hg19) VCF-style: chr1-10397440-A-G.
Other names: c.3271A>G, p.Ser1091Gly (NM_001365952.1); c.3133A>G, p.Ser1045Gly (NM_015074.3); short protein forms S1045G, S1091G.
Identifiers: ClinVar variation 543179 (VCV000543179.10), dbSNP rs753279755, ClinGen allele CA581748.

ClinVar aggregate classification (germline): Conflicting classifications of pathogenicity. Review status: criteria provided, conflicting classifications (1 of 4 stars). 2 submissions from 2 submitters: Uncertain significance (1); Likely benign (1). Last evaluated 2022-12-19.

Conditions:
Charcot-Marie-Tooth disease type 2. Also called: Charcot-Marie-Tooth type 2. Identifiers: Orphanet 64746, MedGen C0270914, MONDO:0018993.

Allele frequency attached by ClinVar (database versions not stated): gnomAD exomes below 0.00001 and 0.00001; ExAC 0.00001.
gnomAD v4.1: 5 of 1,614,232 alleles (0.00031%); highest among the groups gnomAD compares: Admixed American, 0.0017%; no homozygotes.

Submissions (2):

Ambry Genetics
Classification: Likely benign. Last evaluated: 2022-12-19. Review status: criteria provided, single submitter. Criteria: Ambry Variant Classification Scheme 2023. Collection method: clinical testing. Allele origin: germline.

Labcorp Genetics (formerly Invitae), Labcorp
Classification: Uncertain significance for Charcot-Marie-Tooth disease type 2. Last evaluated: 2017-11-23. Review status: criteria provided, single submitter. Criteria: Invitae Variant Classification Sherloc (09022015). Collection method: clinical testing. Allele origin: germline.
Comment: This sequence change replaces serine with glycine at codon 1045 of the KIF1B protein (p.Ser1045Gly). The serine residue is weakly conserved and there is a small physicochemical difference between serine and glycine. In summary, the available evidence is currently insufficient to determine the role of this variant in disease. Therefore, it has been classified as a Variant of Uncertain Significance. Algorithms developed to predict the effect of missense changes on protein structure and function output the following: SIFT: "Tolerated"; PolyPhen-2: "Benign"; Align-GVGD: "Class C0". The glycine amino acid residue is found in multiple mammalian species, suggesting that this missense change does not adversely affect protein function. These predictions have not been confirmed by published functional studies and their clinical significance is uncertain. This variant has not been reported in the literature in individuals with KIF1B-related disease. This variant is present in population databases (rs753279755, ExAC 0.009%).